The following is an entry in ClinVar:

NM_000548.5(TSC2):c.5345C>T (p.Ala1782Val)

Gene: TSC2 (TSC complex subunit 2; plus strand). Cytogenetic location: 16p13.3.
Variant type: single nucleotide variant.
Coding change: c.5345C>T on transcript NM_000548.5 (MANE Select); coding-DNA position 5345, C replaced by T.
Protein change: p.Ala1782Val; replaces alanine 1782 with valine.
Molecular consequence: missense variant.
Genome position (GRCh38, 1-based): chr16:2,088,531, C>T. VCF-style: chr16-2088531-C-T. GRCh37 (hg19) VCF-style: chr16-2138532-C-T.
Other names: c.5033C>T, p.Ala1678Val (NM_001406678.1); c.4997C>T, p.Ala1666Val (NM_001406679.1); c.4745C>T, p.Ala1582Val (NM_001406680.1); c.4685C>T, p.Ala1562Val (NM_001406681.1); c.4676C>T, p.Ala1559Val (NM_001406682.1, NM_001406683.1); c.4673C>T, p.Ala1558Val (NM_001406684.1); c.4547C>T, p.Ala1516Val (NM_001406685.1, NM_001406686.1); c.4544C>T, p.Ala1515Val (NM_001406687.1, NM_001406688.1); and 27 more; short protein forms A1268V, A1311V, A1558V, A1582V, A1667V, A1679V, A1709V, A1710V.
Identifiers: ClinVar variation 2039590 (VCV002039590.4), dbSNP rs2091206453, ClinGen allele CA394315700.

ClinVar aggregate classification (germline): Uncertain significance (1 of 4 stars; one submission).

Conditions:
Tuberous sclerosis 2 (TSC2). Identifiers: Orphanet 805, MedGen C1860707, MONDO:0013199, OMIM 613254.

Submission:

Labcorp Genetics (formerly Invitae), Labcorp
Classification: Uncertain significance for Tuberous sclerosis 2. Last evaluated: 2025-01-01. Review status: criteria provided, single submitter. Criteria: Invitae Variant Classification Sherloc (09022015). Collection method: clinical testing. Allele origin: germline.
Comment: This sequence change replaces alanine, which is neutral and non-polar, with valine, which is neutral and non-polar, at codon 1782 of the TSC2 protein (p.Ala1782Val). This variant is not present in population databases (gnomAD no frequency). This variant has not been reported in the literature in individuals affected with TSC2-related conditions. ClinVar contains an entry for this variant (Variation ID: 2039590). Invitae Evidence Modeling of protein sequence and biophysical properties (such as structural, functional, and spatial information, amino acid conservation, physicochemical variation, residue mobility, and thermodynamic stability) indicates that this missense variant is not expected to disrupt TSC2 protein function with a negative predictive value of 95%. In summary, the available evidence is currently insufficient to determine the role of this variant in disease. Therefore, it has been classified as a Variant of Uncertain Significance.